The following is an entry in ClinVar:

NM_001853.4(COL9A3):c.551G>A (p.Gly184Glu)

Gene: COL9A3 (collagen type IX alpha 3 chain; plus strand). Cytogenetic location: 20q13.33.
Variant type: single nucleotide variant.
Coding change: c.551G>A on transcript NM_001853.4 (MANE Select); coding-DNA position 551, G replaced by A.
Protein change: p.Gly184Glu; replaces glycine 184 with glutamic acid.
Molecular consequence: missense variant.
Genome position (GRCh38, 1-based): chr20:62,824,476, G>A. VCF-style: chr20-62824476-G-A. GRCh37 (hg19) VCF-style: chr20-61455828-G-A.
Other names: short protein forms G184E.
Identifiers: ClinVar variation 2007645 (VCV002007645.4), dbSNP rs2516037476, ClinGen allele CA409590668.

ClinVar aggregate classification (germline): Uncertain significance (1 of 4 stars; one submission).

Submission:

Labcorp Genetics (formerly Invitae), Labcorp
Classification: Uncertain significance. Last evaluated: 2022-06-17. Review status: criteria provided, single submitter. Criteria: Invitae Variant Classification Sherloc (09022015). Collection method: clinical testing. Allele origin: germline.
Comment: In summary, the available evidence is currently insufficient to determine the role of this variant in disease. Therefore, it has been classified as a Variant of Uncertain Significance. Advanced modeling of protein sequence and biophysical properties (such as structural, functional, and spatial information, amino acid conservation, physicochemical variation, residue mobility, and thermodynamic stability) performed at Invitae indicates that this missense variant is expected to disrupt COL9A3 protein function. This variant has not been reported in the literature in individuals affected with COL9A3-related conditions. This variant is not present in population databases (gnomAD no frequency). This sequence change replaces glycine, which is neutral and non-polar, with glutamic acid, which is acidic and polar, at codon 184 of the COL9A3 protein (p.Gly184Glu).